The following is an entry in ClinVar:

NM_001374828.1(ARID1B):c.1585CCG[2] (p.Pro531_Pro533del)

Gene: ARID1B (AT-rich interaction domain 1B; plus strand). Cytogenetic location: 6q25.3.
Variant type: Microsatellite.
Coding change: c.1585CCG[2] on transcript NM_001374828.1 (MANE Select); two copies in a row of the 3-base unit CCG starting at c.1585; the reference has five copies in a row; three copies, 9 bases deleted.
Protein change: p.Pro531_Pro533del.
Molecular consequence: inframe deletion. On other transcripts: inframe indel (3).
Genome position (GRCh38, 1-based): chr6:156,779,271-156,779,279, CCGCCGCCG deleted; deleting any 9 consecutive bases within chr6:156,779,263-156,779,279 gives the same sequence; the position shown is the placement nearest the transcript's 3' end. VCF-style (leftmost placement, unchanged base first): chr6-156779262-GCGCCGCCGC-G. GRCh37 (hg19) VCF-style: chr6-157100396-GCGCCGCCGC-G.
Other names: c.1336_1338CCG[2], p.Pro448_Pro450del (NM_001346813.1, NM_020732.3); c.1585CCG[2], p.Pro531_Pro533del (NM_001371656.1, NM_001374820.1, NM_017519.3); c.1162_1164CCG[2], p.Pro390_Pro392del (NM_175863.2).
Identifiers: ClinVar variation 2170599 (VCV002170599.8), dbSNP rs572236007, ClinGen allele CA150802784.
Genomic context (GRCh38, chr6:156,779,262, plus strand): 5'-TCGCCCAGCCCCATGATGCGGAGCTACGGCGGCAGCTACCCCGAGTACAGCAGCCCCAGC[GCGCCGCCGC>G]CGCCGCCGTCGCAGCCCCAGTCCCAGGCGGCGGCGGCGGGGGCGGCGGCGGGCGGCCAGC-3'

ClinVar aggregate classification (germline): Conflicting classifications of pathogenicity. Review status: criteria provided, conflicting classifications (1 of 4 stars). 2 submissions from 2 submitters: Uncertain significance (1); Likely benign (1). Last evaluated 2026-01-01.

Submissions (2):

CeGaT Center for Human Genetics Tuebingen
Classification: Uncertain significance. Last evaluated: 2026-01-01. Review status: criteria provided, single submitter. Criteria: CeGaT Center For Human Genetics Tuebingen Variant Classification Criteria Version 2. Collection method: clinical testing. Allele origin: germline. Affected: yes. Observed: 1 variant allele.
Comment: ARID1B: PM4

Labcorp Genetics (formerly Invitae), Labcorp
Classification: Likely benign. Last evaluated: 2025-02-07. Review status: criteria provided, single submitter. Criteria: Invitae Variant Classification Sherloc (09022015). Collection method: clinical testing. Allele origin: germline.